The following is an entry in ClinVar:

NM_001267550.2(TTN):c.51551T>C (p.Ile17184Thr)

Genes: TTN (titin; minus strand), TTN-AS1 (TTN antisense RNA 1; plus strand). Cytogenetic location: 2q31.2.
Variant type: single nucleotide variant.
Coding change: c.51551T>C on transcript NM_001267550.2 (MANE Select); coding-DNA position 51551, T replaced by C.
Protein change: p.Ile17184Thr; replaces isoleucine 17184 with threonine.
Molecular consequence: missense variant.
Genome position (GRCh38, 1-based): chr2:178,609,872, A>G on the plus strand (T>C on the coding strand, the complement: TTN is on the minus strand). VCF-style: chr2-178609872-A-G. GRCh37 (hg19) VCF-style: chr2-179474599-A-G.
Other names: c.46628T>C, p.Ile15543Thr (NM_001256850.1); c.24356T>C, p.Ile8119Thr (NM_003319.4); c.43847T>C, p.Ile14616Thr (NM_133378.4); c.24731T>C, p.Ile8244Thr (NM_133432.3); c.24932T>C, p.Ile8311Thr (NM_133437.4); short protein forms I14616T, I15543T, I17184T, I8119T, I8244T, I8311T.
Identifiers: ClinVar variation 811910 (VCV000811910.10), dbSNP rs752646731, ClinGen allele CA1994165.
Genomic context (GRCh38, chr2:178,609,872, plus strand): 5'-ATTGGTACCAGGTGTTCATTGCATCTCTTCCACCTTTCTTCACCCTTAGCAATCTTCTCT[A>G]TGATGTAGCCCATTATCTTGCTCCCTCCATCATACAAAGGTGGCTTCCATGTAATAGTCA-3'
Protein context (NP_001254479.2, residues 17174-17194): DGGSKIMGYI[Ile17184Thr]EKIAKGEERW

ClinVar aggregate classification (germline): Uncertain significance. Review status: criteria provided, multiple submitters, no conflicts (2 of 4 stars). 3 submissions from 3 submitters: Uncertain significance (3). Last evaluated 2025-05-12.

Allele frequency attached by ClinVar (database versions not stated): gnomAD exomes 0.00006 and 0.00005; TOPMed 0.00001; gnomAD 0.00001.
gnomAD v4.1: 89 of 1,612,908 alleles (0.0055%); highest among the groups gnomAD compares: South Asian, 0.022%; no homozygotes.

Submissions (3):

Women's Health and Genetics/Laboratory Corporation of America, LabCorp
Classification: Uncertain significance. Last evaluated: 2025-05-12. Review status: criteria provided, single submitter. Criteria: LabCorp Variant Classification Summary - May 2015. Collection method: clinical testing. Allele origin: germline.
Comment: Variant summary: TTN c.43847T>C (p.Ile14616Thr) results in a non-conservative amino acid change in the encoded protein sequence. Algorithms developed to predict the effect of missense changes on protein structure and function all suggest that this variant is likely to be disruptive. The variant allele was found at a frequency of 5.2e-05 in 248512 control chromosomes. This frequency is not significantly higher than estimated for a pathogenic variant in TTN causing Dilated Cardiomyopathy (5.2e-05 vs 0.00039), allowing no conclusion about variant significance. To our knowledge, no occurrence of c.43847T>C in individuals affected with TTN-related conditions and no experimental evidence demonstrating its impact on protein function have been reported. ClinVar contains an entry for this variant (Variation ID: 811910). Based on the evidence outlined above, the variant was classified as uncertain significance.

Revvity Omics, Revvity
Classification: Uncertain significance. Last evaluated: 2024-09-23. Review status: criteria provided, single submitter. Criteria: ACMG Guidelines, 2015. Collection method: clinical testing. Allele origin: germline.

ARUP Laboratories, Molecular Genetics and Genomics, ARUP Laboratories
Classification: Uncertain significance. Last evaluated: 2019-03-04. Review status: criteria provided, single submitter. Criteria: ARUP Molecular Germline Variant Investigation Process. Collection method: clinical testing. Allele origin: germline.
Comment: The TTN c.43847T>C; p.Ile14616Thr variant (rs752646731) is rare in the general population (<1% allele frequency in the Genome Aggregation Database) and has not been reported in the medical literature in association with dilated cardiomyopathy (DCM) or other TTN-related disease. The clinical relevance of rare missense variants in this gene, which are identified on average once per individual sequenced in affected populations (Herman 2012), is not well understood. Yet, evidence suggests that the vast majority of such missense variants do not contribute to the clinical outcome of DCM (Begay 2015). Thus, the clinical significance of the p.Ile14616Thr variant cannot be determined with certainty. References: Begay RL et al. Role of Titin Missense Variants in Dilated Cardiomyopathy. J Am Heart Assoc. 2015 Nov 13;4(11). Herman DS et al. Truncations of titin causing dilated cardiomyopathy. N Engl J Med. 2012 Feb 16;366(7):619-28. Linke and Hamdani. Gigantic business: titin properties and function through thick and thin. Circ Res 2014; 114(6): 1052-1068.